The following is an entry in ClinVar:

NM_017777.4(MKS1):c.36G>T (p.Glu12Asp)

Genes: MKS1 (MKS transition zone complex subunit 1; minus strand), LOC130061271 (ATAC-STARR-seq lymphoblastoid active region 12461; plus strand). Cytogenetic location: 17q22.
Variant type: single nucleotide variant.
Coding change: c.36G>T on transcript NM_017777.4 (MANE Select); coding-DNA position 36, G replaced by T.
Protein change: p.Glu12Asp; replaces glutamic acid 12 with aspartic acid.
Molecular consequence: missense variant. On other transcripts: 5 prime UTR variant (1).
Genome position (GRCh38, 1-based): chr17:58,219,195, C>A on the plus strand (G>T on the coding strand, the complement: MKS1 is on the minus strand). VCF-style: chr17-58219195-C-A. GRCh37 (hg19) VCF-style: chr17-56296556-C-A.
Other names: c.36G>T (NM_017777.3); c.-476G>T (NM_001321268.2); c.36G>T, p.Glu12Asp (NM_001321269.2, NM_001330397.2); short protein forms E12D.
Identifiers: ClinVar variation 595787 (VCV000595787.12), dbSNP rs1386455261, ClinGen allele CA400328189.

ClinVar aggregate classification (germline): Uncertain significance. Review status: criteria provided, multiple submitters, no conflicts (2 of 4 stars). 4 submissions from 4 submitters: Uncertain significance (3). 1 of the submissions does not count toward it. Last evaluated 2024-05-07.

Conditions:
Meckel syndrome, type 1 (MKS1). Also called: MECKEL-GRUBER SYNDROME, TYPE 1. Identifiers: Orphanet 564, MedGen C3714506, MONDO:0009571, OMIM 249000.
Bardet-Biedl syndrome 13 (BBS13). Identifiers: Orphanet 110, MedGen C2673873, MONDO:0014441, OMIM 615990.
Joubert syndrome 28 (JBTS28). Identifiers: MedGen C4310705, MONDO:0014928, OMIM 617121.
Joubert syndrome. Also called: Familial aplasia of the vermis; JOUBERT-BOLTSHAUSER SYNDROME. Identifiers: Orphanet 475, MedGen C5979921, MONDO:0018772.
Meckel-Gruber syndrome. Also called: DYSENCEPHALIA SPLANCHNOCYSTICA; GRUBER SYNDROME; Dysencephalia splachnocystica. Identifiers: Orphanet 564, MedGen C0265215, MONDO:0018921.
MKS1-related disorder. Also called: MKS1-related condition; MKS1-related disorders. Identifiers: MedGen CN239382.

Allele frequency attached by ClinVar (database versions not stated): TOPMed 0.00001; gnomAD 0.00003 and 0.00004.
gnomAD v4.1: 7 of 1,551,084 alleles (0.00045%); highest among the groups gnomAD compares: African/African-American, 0.0096%; no homozygotes.

Submissions (4):

Fulgent Genetics
Classification: Uncertain significance for Meckel syndrome, type 1; Bardet-Biedl syndrome 13; Joubert syndrome 28. Last evaluated: 2024-05-07. Review status: criteria provided, single submitter. Criteria: ACMG Guidelines, 2015. Collection method: clinical testing. Allele origin: germline.

Labcorp Genetics (formerly Invitae), Labcorp
Classification: Uncertain significance for Joubert syndrome; Meckel-Gruber syndrome. Last evaluated: 2022-04-12. Review status: criteria provided, single submitter. Criteria: Invitae Variant Classification Sherloc (09022015). Collection method: clinical testing. Allele origin: germline.
Comment: In summary, the available evidence is currently insufficient to determine the role of this variant in disease. Therefore, it has been classified as a Variant of Uncertain Significance. Advanced modeling of protein sequence and biophysical properties (such as structural, functional, and spatial information, amino acid conservation, physicochemical variation, residue mobility, and thermodynamic stability) performed at Invitae indicates that this missense variant is not expected to disrupt MKS1 protein function. ClinVar contains an entry for this variant (Variation ID: 595787). This variant has not been reported in the literature in individuals affected with MKS1-related conditions. This variant is not present in population databases (gnomAD no frequency). This sequence change replaces glutamic acid, which is acidic and polar, with aspartic acid, which is acidic and polar, at codon 12 of the MKS1 protein (p.Glu12Asp).

Eurofins Ntd Llc (ga)
Classification: Uncertain significance. Last evaluated: 2018-01-22. Review status: criteria provided, single submitter. Criteria: EGL Classification Definitions 2015. Collection method: clinical testing. Allele origin: germline. Observed: 1 variant allele, 1 heterozygote.

PreventionGenetics, part of Exact Sciences
Classification: Uncertain significance for MKS1-related condition. Last evaluated: 2024-05-23. Review status: no assertion criteria provided. Collection method: clinical testing. Allele origin: germline. Not counted in ClinVar's aggregate classification.
Comment: The MKS1 c.36G>T variant is predicted to result in the amino acid substitution p.Glu12Asp. To our knowledge, this variant has not been reported in the literature or in a large population database, indicating this variant is rare. At this time, the clinical significance of this variant is uncertain due to the absence of conclusive functional and genetic evidence.